The following is an entry in ClinVar:

ClinVar aggregate classification (germline): Uncertain significance (1 of 4 stars; one submission).

Conditions:
Neuroblastoma, susceptibility to, 3. Also called: ALK-Related Neuroblastic Tumor Susceptibility. Identifiers: Orphanet 635, MedGen C2751681, MONDO:0013083, OMIM 613014.

Submission:

Labcorp Genetics (formerly Invitae), Labcorp
Classification: Uncertain significance for Neuroblastoma, susceptibility to, 3. Last evaluated: 2021-12-29. Review status: criteria provided, single submitter. Criteria: Invitae Variant Classification Sherloc (09022015). Collection method: clinical testing. Allele origin: germline.
Comment: This sequence change replaces threonine, which is neutral and polar, with asparagine, which is neutral and polar, at codon 750 of the ALK protein (p.Thr750Asn). This variant is not present in population databases (gnomAD no frequency). In summary, the available evidence is currently insufficient to determine the role of this variant in disease. Therefore, it has been classified as a Variant of Uncertain Significance. Algorithms developed to predict the effect of missense changes on protein structure and function are either unavailable or do not agree on the potential impact of this missense change (SIFT: "Deleterious"; PolyPhen-2: "Benign"; Align-GVGD: "Class C55"). This variant has not been reported in the literature in individuals affected with ALK-related conditions.

NM_004304.5(ALK):c.2249C>A (p.Thr750Asn)

Gene: ALK (ALK receptor tyrosine kinase; minus strand). Cytogenetic location: 2p23.2.
Variant type: single nucleotide variant.
Coding change: c.2249C>A on transcript NM_004304.5 (MANE Select); coding-DNA position 2249, C replaced by A.
Protein change: p.Thr750Asn; replaces threonine 750 with asparagine.
Molecular consequence: missense variant.
Genome position (GRCh38, 1-based): chr2:29,239,786, G>T on the plus strand (C>A on the coding strand, the complement: ALK is on the minus strand). VCF-style: chr2-29239786-G-T. GRCh37 (hg19) VCF-style: chr2-29462652-G-T.
Other names: short protein forms T750N.
Identifiers: ClinVar variation 2045252 (VCV002045252.4), dbSNP rs2465270211, ClinGen allele CA346474654.